The following is an entry in ClinVar:

NM_001242896.3(DEPDC5):c.3412A>C (p.Asn1138His)

Gene: DEPDC5 (DEP domain containing 5, GATOR1 subcomplex subunit; plus strand). Cytogenetic location: 22q12.3.
Variant type: single nucleotide variant.
Coding change: c.3412A>C on transcript NM_001242896.3 (MANE Select); coding-DNA position 3412, A replaced by C.
Protein change: p.Asn1138His; replaces asparagine 1138 with histidine.
Molecular consequence: missense variant. On other transcripts: non-coding transcript variant (5).
Genome position (GRCh38, 1-based): chr22:31,870,671, A>C. VCF-style: chr22-31870671-A-C. GRCh37 (hg19) VCF-style: chr22-32266657-A-C.
Other names: c.3385A>C, p.Asn1129His (NM_001136029.4); c.3112A>C, p.Asn1038His (NM_001242897.2); c.3346A>C, p.Asn1116His (NM_001363852.2, NM_001364320.2); c.3178A>C, p.Asn1060His (NM_001363854.2, NM_001364319.2); c.3412A>C, p.Asn1138His (NM_001364318.2); c.3328A>C, p.Asn1110His (NM_001369901.1, NM_001369902.1); c.3319A>C, p.Asn1107His (NM_001369903.1, NM_014662.6); c.3412A>C (NM_001242896.1); short protein forms N1116H, N1107H, N1110H, N1129H, N1038H, N1060H, N1138H.
Identifiers: ClinVar variation 2153800 (VCV002153800.7), dbSNP rs541505569, ClinGen allele CA10196974.

ClinVar aggregate classification (germline): Uncertain significance. Review status: criteria provided, multiple submitters, no conflicts (2 of 4 stars). 3 submissions from 3 submitters: Uncertain significance (3). Last evaluated 2026-01-13.

Conditions:
Familial focal epilepsy with variable foci (FPEVF). Identifiers: Orphanet 98820, MedGen C1858477, MONDO:0020310.
Inborn genetic diseases. Identifiers: MedGen C0950123, MeSH D030342.

Allele frequency attached by ClinVar (database versions not stated): gnomAD 0.00001; ExAC 0.00002; 1000 Genomes Project 30x 0.00016; 1000 Genomes Project 0.00020.
gnomAD v4.1: 1 of 1,604,208 alleles (0.000062%); highest among the groups gnomAD compares: East Asian, 0.0023%; no homozygotes.

Submissions (3):

Labcorp Genetics (formerly Invitae), Labcorp
Classification: Uncertain significance for Familial focal epilepsy with variable foci. Last evaluated: 2026-01-13. Review status: criteria provided, single submitter. Criteria: Invitae Variant Classification Sherloc (09022015). Collection method: clinical testing. Allele origin: germline.
Comment: This sequence change replaces asparagine, which is neutral and polar, with histidine, which is basic and polar, at codon 1138 of the DEPDC5 protein (p.Asn1138His). This variant is present in population databases (rs541505569, gnomAD 0.01%). This variant has not been reported in the literature in individuals affected with DEPDC5-related conditions. ClinVar contains an entry for this variant (Variation ID: 2153800). Experimental studies and prediction algorithms are not available or were not evaluated, and the functional significance of this variant is currently unknown. In summary, the available evidence is currently insufficient to determine the role of this variant in disease. Therefore, it has been classified as a Variant of Uncertain Significance.

GeneDx
Classification: Uncertain significance. Last evaluated: 2024-02-20. Review status: criteria provided, single submitter. Criteria: GeneDx Variant Classification Process June 2021. Collection method: clinical testing. Allele origin: germline. Affected: yes.
Comment: In silico analysis supports that this missense variant does not alter protein structure/function; Has not been previously published as pathogenic or benign to our knowledge

Ambry Genetics
Classification: Uncertain significance for Inborn genetic diseases. Last evaluated: 2023-03-22. Review status: criteria provided, single submitter. Criteria: Ambry Variant Classification Scheme 2023. Collection method: clinical testing. Allele origin: germline.